The following is an entry in ClinVar:

ClinVar aggregate classification (germline): Uncertain significance (1 of 4 stars; one submission).

gnomAD v4.1: 2 of 1,614,118 alleles (0.00012%); highest among the groups gnomAD compares: Non-Finnish European, 0.00017%; no homozygotes.

Submission:

Labcorp Genetics (formerly Invitae), Labcorp
Classification: Uncertain significance. Last evaluated: 2025-07-02. Review status: criteria provided, single submitter. Criteria: Invitae Variant Classification Sherloc (09022015). Collection method: clinical testing. Allele origin: germline.
Comment: This sequence change replaces glycine, which is neutral and non-polar, with arginine, which is basic and polar, at codon 1743 of the FLNB protein (p.Gly1743Arg). This variant is not present in population databases (gnomAD no frequency). This variant has not been reported in the literature in individuals affected with FLNB-related conditions. Invitae Evidence Modeling of protein sequence and biophysical properties (such as structural, functional, and spatial information, amino acid conservation, physicochemical variation, residue mobility, and thermodynamic stability) indicates that this missense variant is not expected to disrupt FLNB protein function with a negative predictive value of 95%. In summary, the available evidence is currently insufficient to determine the role of this variant in disease. Therefore, it has been classified as a Variant of Uncertain Significance.

NM_001457.4(FLNB):c.5227G>C (p.Gly1743Arg)

Gene: FLNB (filamin B; plus strand). Cytogenetic location: 3p14.3.
Variant type: single nucleotide variant.
Coding change: c.5227G>C on transcript NM_001457.4 (MANE Select); coding-DNA position 5227, G replaced by C.
Protein change: p.Gly1743Arg; replaces glycine 1743 with arginine.
Molecular consequence: missense variant.
Genome position (GRCh38, 1-based): chr3:58,142,695, G>C. VCF-style: chr3-58142695-G-C. GRCh37 (hg19) VCF-style: chr3-58128422-G-C.
Other names: c.5320G>C, p.Gly1774Arg (NM_001164317.2); c.5194G>C, p.Gly1732Arg (NM_001164318.2); c.5155G>C, p.Gly1719Arg (NM_001164319.2); short protein forms G1774R, G1732R, G1719R, G1743R.
Identifiers: ClinVar variation 4761145 (VCV004761145.1).